The following is an entry in ClinVar:

ClinVar aggregate classification (germline): Uncertain significance (1 of 4 stars; one submission).

Submission:

GeneDx
Classification: Uncertain significance. Last evaluated: 2026-02-17. Review status: criteria provided, single submitter. Criteria: GeneDx Variant Classification Process June 2021. Collection method: clinical testing. Allele origin: germline.
Comment: Not observed at significant frequency in large population cohorts (gnomAD); In silico analysis supports that this missense variant has a deleterious effect on protein structure/function; Has not been previously published as pathogenic or benign to our knowledge

NM_014847.4(UBAP2L):c.1805A>G (p.Tyr602Cys)

Gene: UBAP2L (ubiquitin associated protein 2 like; plus strand). Cytogenetic location: 1q21.3.
Variant type: single nucleotide variant.
Coding change: c.1805A>G on transcript NM_014847.4 (MANE Select); coding-DNA position 1805, A replaced by G.
Protein change: p.Tyr602Cys; replaces tyrosine 602 with cysteine.
Molecular consequence: missense variant.
Genome position (GRCh38, 1-based): chr1:154,254,040, A>G. VCF-style: chr1-154254040-A-G. GRCh37 (hg19) VCF-style: chr1-154226516-A-G.
Other names: c.1805A>G, p.Tyr602Cys (NM_001127320.3, NM_001375614.1, NM_001375615.1 and 14 more transcripts); c.1784A>G, p.Tyr595Cys (NM_001287815.1); c.1838A>G, p.Tyr613Cys (NM_001287816.1, NM_001330730.1, NM_001375612.1 and 2 more transcripts); short protein forms Y595C, Y602C, Y613C.
Identifiers: ClinVar variation 5007974 (VCV005007974.1).